The following is an entry in ClinVar:

ClinVar aggregate classification (germline): Uncertain significance. Review status: criteria provided, multiple submitters, no conflicts (2 of 4 stars). 2 submissions from 2 submitters: Uncertain significance (2). Last evaluated 2025-06-21.

Conditions:
Cardiovascular phenotype. Identifiers: MedGen CN230736.

Submissions (2):

GeneDx
Classification: Uncertain significance. Last evaluated: 2025-06-21. Review status: criteria provided, single submitter. Criteria: GeneDx Variant Classification Process June 2021. Collection method: clinical testing. Allele origin: germline. Affected: yes.
Comment: Not observed at significant frequency in large population cohorts (gnomAD); In silico analysis supports that this missense variant has a deleterious effect on protein structure/function; Has not been previously published as pathogenic or benign to our knowledge; Also known as L4376P

Ambry Genetics
Classification: Uncertain significance for Cardiovascular phenotype. Last evaluated: 2024-10-04. Review status: criteria provided, single submitter. Criteria: Ambry Variant Classification Scheme 2023. Collection method: clinical testing. Allele origin: germline.
Comment: The p.L4403P variant (also known as c.13208T>C), located in coding exon 29 of the APOB gene, results from a T to C substitution at nucleotide position 13208. The leucine at codon 4403 is replaced by proline, an amino acid with similar properties. This amino acid position is conserved. In addition, the in silico prediction for this alteration is inconclusive. Based on the available evidence, the clinical significance of this variant remains unclear.

NM_000384.3(APOB):c.13208T>C (p.Leu4403Pro)

Gene: APOB (apolipoprotein B; minus strand). Cytogenetic location: 2p24.1.
Variant type: single nucleotide variant.
Coding change: c.13208T>C on transcript NM_000384.3 (MANE Select); coding-DNA position 13208, T replaced by C.
Protein change: p.Leu4403Pro; replaces leucine 4403 with proline.
Molecular consequence: missense variant.
Genome position (GRCh38, 1-based): chr2:21,002,214, A>G on the plus strand (T>C on the coding strand, the complement: APOB is on the minus strand). VCF-style: chr2-21002214-A-G. GRCh37 (hg19) VCF-style: chr2-21225086-A-G.
Other names: short protein forms L4403P.
Identifiers: ClinVar variation 3416149 (VCV003416149.2).